The following is an entry in ClinVar:

ClinVar aggregate classification (germline): Uncertain significance. Review status: criteria provided, multiple submitters, no conflicts (2 of 4 stars). 5 submissions from 5 submitters: Uncertain significance (5). Last evaluated 2026-06-25.

Conditions:
PRX-related disorder. Also called: PRX-related condition; PRX-Related Disorders.
Dejerine-Sottas disease. Also called: HMSN Type III; HEREDITARY MOTOR AND SENSORY NEUROPATHY TYPE III; Charcot-Marie-Tooth disease type 3; DEJERINE-SOTTAS NEUROPATHY; Hereditary motor and sensory neuropathy 3. Identifiers: Orphanet 64748, MedGen C0011195, MONDO:0007790, OMIM 145900.
Charcot-Marie-Tooth disease type 4F. Also called: Charcot-Marie-Tooth disease, demyelinating, type 4F. Identifiers: Orphanet 99952, MedGen C3540453, MONDO:0013959, OMIM 614895.
Charcot-Marie-Tooth disease type 4. Also called: Charcot-Marie-Tooth disease, type IV; Charcot-Marie-Tooth, Type 4. Identifiers: Orphanet 64749, MedGen C4082197, MONDO:0018995.

Allele frequency attached by ClinVar (database versions not stated): gnomAD exomes below 0.00001; TOPMed 0.00002.
gnomAD v4.1: 7 of 1,608,872 alleles (0.00044%); highest among the groups gnomAD compares: Non-Finnish European, 0.00051%; no homozygotes.

Submissions (5):

PreventionGenetics, part of Exact Sciences
Classification: Uncertain significance for PRX-related condition. Last evaluated: 2026-06-25. Review status: criteria provided, single submitter. Criteria: ACMG Guidelines, 2015. Collection method: clinical testing. Allele origin: germline.
Comment: The PRX c.3365A>G variant is predicted to result in the amino acid substitution p.Gln1122Arg. To our knowledge, this variant has not been reported in the literature or in a large population database (gnomAD), indicating this variant is rare. At this time, the clinical significance of this variant is uncertain due to the absence of conclusive functional and genetic evidence.

Women's Health and Genetics/Laboratory Corporation of America, LabCorp
Classification: Uncertain significance. Last evaluated: 2024-11-25. Review status: criteria provided, single submitter. Criteria: LabCorp Variant Classification Summary - May 2015. Collection method: clinical testing. Allele origin: germline.
Comment: Variant summary: PRX c.3365A>G (p.Gln1122Arg) results in a conservative amino acid change in the encoded protein sequence. Five of five in-silico tools predict a benign effect of the variant on protein function. The variant was absent in 247234 control chromosomes. The available data on variant occurrences in the general population are insufficient to allow any conclusion about variant significance. To our knowledge, no occurrence of c.3365A>G in individuals affected with Charcot-Marie-Tooth disease type 4F and no experimental evidence demonstrating its impact on protein function have been reported. ClinVar contains an entry for this variant (Variation ID: 964890). Based on the evidence outlined above, the variant was classified as uncertain significance.

Department of Pathology and Laboratory Medicine, Sinai Health System
Classification: Uncertain significance for Dejerine-Sottas disease; Charcot-Marie-Tooth disease type 4F. Last evaluated: 2022-11-14. Review status: criteria provided, single submitter. Criteria: ACMG Guidelines, 2015. Collection method: research. Allele origin: germline.

Labcorp Genetics (formerly Invitae), Labcorp
Classification: Uncertain significance for Charcot-Marie-Tooth disease type 4. Last evaluated: 2020-02-03. Review status: criteria provided, single submitter. Criteria: Invitae Variant Classification Sherloc (09022015). Collection method: clinical testing. Allele origin: germline.
Comment: This sequence change replaces glutamine with arginine at codon 1122 of the PRX protein (p.Gln1122Arg). The glutamine residue is weakly conserved and there is a small physicochemical difference between glutamine and arginine. This variant is not present in population databases (ExAC no frequency). This variant has not been reported in the literature in individuals with PRX-related conditions. Algorithms developed to predict the effect of missense changes on protein structure and function output the following: SIFT: "Tolerated"; PolyPhen-2: "Benign"; Align-GVGD: "Class C0". The arginine amino acid residue is found in multiple mammalian species, suggesting that this missense change does not adversely affect protein function. These predictions have not been confirmed by published functional studies and their clinical significance is uncertain. In summary, the available evidence is currently insufficient to determine the role of this variant in disease. Therefore, it has been classified as a Variant of Uncertain Significance.

Breakthrough Genomics
Classification: Uncertain significance. Review status: criteria provided, single submitter. Criteria: ACMG Guidelines, 2015. Collection method: not provided. Allele origin: germline. Inheritance: Autosomal dominant inheritance. Affected: yes.

NM_181882.3(PRX):c.3365A>G (p.Gln1122Arg)

Gene: PRX (periaxin; minus strand). Cytogenetic location: 19q13.2.
Variant type: single nucleotide variant.
Coding change: c.3365A>G on transcript NM_181882.3 (MANE Select); coding-DNA position 3365, A replaced by G.
Protein change: p.Gln1122Arg; replaces glutamine 1122 with arginine.
Molecular consequence: missense variant. On other transcripts: 3 prime UTR variant (1).
Genome position (GRCh38, 1-based): chr19:40,394,987, T>C on the plus strand (A>G on the coding strand, the complement: PRX is on the minus strand). VCF-style: chr19-40394987-T-C. GRCh37 (hg19) VCF-style: chr19-40900894-T-C.
Other names: c.*3570A>G (NM_020956.2); short protein forms Q1122R.
Identifiers: ClinVar variation 964890 (VCV000964890.12), dbSNP rs1287415463, ClinGen allele CA405894060.
Genomic context (GRCh38, chr19:40,394,987, plus strand): 5'-CCCGCGTCATGGCCCTCAGTGACCACCTGCCCGGCTGTGGACACCTTCAGGCCTGACAGC[T>C]GCATTCCACTGACGGCCACAGCCCCCTCTGCCCTCCCTTCCTCCTGGGCGCCCAGCGTGA-3'
Protein context (NP_870998.2, residues 1112-1132): AEGAVAVSGM[Gln1122Arg]LSGLKVSTAG